The following is an entry in ClinVar:

NM_000553.6(WRN):c.856A>T (p.Lys286Ter)

Gene: WRN (WRN RecQ like helicase; plus strand). Cytogenetic location: 8p12.
Variant type: single nucleotide variant.
Coding change: c.856A>T on transcript NM_000553.6 (MANE Select); coding-DNA position 856, A replaced by T.
Protein change: p.Lys286Ter; replaces lysine 286 with a stop codon.
Molecular consequence: nonsense.
Genome position (GRCh38, 1-based): chr8:31,080,883, A>T. VCF-style: chr8-31080883-A-T. GRCh37 (hg19) VCF-style: chr8-30938399-A-T.
Other names: short protein forms K286*.
Identifiers: ClinVar variation 2845368 (VCV002845368.3), dbSNP rs2535909471, ClinGen allele CA370919633.

ClinVar aggregate classification (germline): Pathogenic (1 of 4 stars; one submission).

Conditions:
Werner syndrome (WRN). Identifiers: Orphanet 902, MedGen C0043119, MONDO:0010196, OMIM 277700.

Submission:

Labcorp Genetics (formerly Invitae), Labcorp
Classification: Pathogenic for Werner syndrome. Last evaluated: 2023-03-13. Review status: criteria provided, single submitter. Criteria: Invitae Variant Classification Sherloc (09022015). Collection method: clinical testing. Allele origin: germline.
Comment: For these reasons, this variant has been classified as Pathogenic. This sequence change creates a premature translational stop signal (p.Lys286*) in the WRN gene. It is expected to result in an absent or disrupted protein product. Loss-of-function variants in WRN are known to be pathogenic (PMID: 16673358). This variant is not present in population databases (gnomAD no frequency). This variant has not been reported in the literature in individuals affected with WRN-related conditions.

Literature cited by the submitters: PubMed 16673358.